The following is an entry in ClinVar:

ClinVar aggregate classification (germline): Likely benign (1 of 4 stars; one submission).

Allele frequency attached by ClinVar (database versions not stated): ESP Exome Variant Server 0.00046; 1000 Genomes Project 0.00060; 1000 Genomes Project 30x 0.00062; gnomAD exomes 0.00079; gnomAD 0.00086; ExAC 0.00092; TOPMed 0.00125.
gnomAD v4.1: 1,347 of 1,612,932 alleles (0.084%); highest among the groups gnomAD compares: Middle Eastern, 0.39%; 4 homozygotes.

Submission:

CeGaT Center for Human Genetics Tuebingen
Classification: Likely benign. Last evaluated: 2022-12-01. Review status: criteria provided, single submitter. Criteria: CeGaT Center For Human Genetics Tuebingen Variant Classification Criteria Version 2. Collection method: clinical testing. Allele origin: germline. Affected: yes. Observed: 1 variant allele.
Comment: KALRN: BP4, BP7

NM_001388419.1(KALRN):c.894C>T (p.His298=)

Gene: KALRN (kalirin RhoGEF kinase; plus strand). Cytogenetic location: 3q21.2.
Variant type: single nucleotide variant.
Coding change: c.894C>T on transcript NM_001388419.1 (MANE Select); coding-DNA position 894, C replaced by T.
Protein change: p.His298=; no amino-acid change (histidine 298 retained).
Molecular consequence: synonymous variant.
Genome position (GRCh38, 1-based): chr3:124,269,180, C>T. VCF-style: chr3-124269180-C-T. GRCh37 (hg19) VCF-style: chr3-123988027-C-T.
Other names: c.888C>T, p.His296= (NM_001024660.5, NM_001322988.2, NM_001322989.2 and 4 more transcripts); c.894C>T, p.His298= (NM_001388417.1, NM_001388418.1).
Identifiers: ClinVar variation 2654084 (VCV002654084.24), dbSNP rs146360002, ClinGen allele CA2579036.